The following is an entry in ClinVar:

NC_000019.9:g.(?_50332011)_(50333471_?)del

Gene: MED25 (mediator complex subunit 25; plus strand). Cytogenetic location: 19q13.33.
Variant type: Deletion.
Identifiers: ClinVar variation 3248509 (VCV003248509.1).

ClinVar aggregate classification (germline): Uncertain significance (1 of 4 stars; one submission).

Conditions:
Charcot-Marie-Tooth disease type 2. Also called: Charcot-Marie-Tooth type 2. Identifiers: Orphanet 64746, MedGen C0270914, MONDO:0018993.

Submission:

Labcorp Genetics (formerly Invitae), Labcorp
Classification: Uncertain significance for Charcot-Marie-Tooth disease type 2. Last evaluated: 2022-07-05. Review status: criteria provided, single submitter. Criteria: Invitae Variant Classification Sherloc (09022015). Collection method: clinical testing. Allele origin: unknown.
Comment: In summary, the available evidence is currently insufficient to determine the role of this variant in disease. Therefore, it has been classified as a Variant of Uncertain Significance. This variant has not been reported in the literature in individuals affected with MED25-related conditions. This variant results in the deletion of exons 5-6 and part of exon7 (c.404+207_815del) of the MED25 gene. It is expected to disrupt RNA splicing. Variants that disrupt the donor or acceptor splice site typically lead to a loss of protein function (PMID: 16199547), however the current clinical and genetic evidence is not sufficient to establish whether loss-of-function variants in MED25 cause disease.

Literature cited by the submitters: PubMed 16199547.